The following is an entry in ClinVar:

ClinVar aggregate classification (germline): Pathogenic (1 of 4 stars; one submission).

Conditions:
Hereditary cancer-predisposing syndrome. Also called: Tumor predisposition; Hereditary Cancer Syndrome; Neoplastic Syndromes, Hereditary; Hereditary neoplastic syndrome. Identifiers: Orphanet 140162, MedGen C0027672, MeSH D009386, MONDO:0015356.

Submission:

Ambry Genetics
Classification: Pathogenic for Hereditary cancer-predisposing syndrome. Last evaluated: 2022-04-21. Review status: criteria provided, single submitter. Criteria: Ambry Variant Classification Scheme 2023. Collection method: clinical testing. Allele origin: germline.
Comment: The c.2879dupA pathogenic mutation, located in coding exon 4 of the MSH6 gene, results from a duplication of A at nucleotide position 2879, causing a translational frameshift with a predicted alternate stop codon (p.N960Kfs*6). This alteration is expected to result in loss of function by premature protein truncation or nonsense-mediated mRNA decay. As such, this alteration is interpreted as a disease-causing mutation.

NM_000179.3(MSH6):c.2879dup (p.Asn960fs)

Gene: MSH6 (mutS homolog 6; plus strand). Cytogenetic location: 2p16.3.
Variant type: Duplication.
Coding change: c.2879dup on transcript NM_000179.3 (MANE Select); coding-DNA position 2879, one base duplicated (A; older notation c.2879dupA).
Protein change: p.Asn960fs; shifts the reading frame from asparagine 960.
Molecular consequence: frameshift variant.
Genome position (GRCh38, 1-based): chr2:47,800,862, A duplicated; the last of 2 consecutive A bases (chr2:47,800,861-47,800,862); duplicating either gives the same sequence. VCF-style (leftmost placement, unchanged base first): chr2-47800860-C-CA. GRCh37 (hg19) VCF-style: chr2-48027999-C-CA.
Other names: c.2489dup, p.Asn830fs (NM_001281492.2); c.1973dup, p.Asn658fs (NM_001281493.2, NM_001281494.2); c.2975dup, p.Asn992Lysfs (NM_001406795.1, NM_001406802.1); c.2879dup, p.Asn960Lysfs (NM_001406796.1, NM_001406798.1, NM_001406800.1 and 2 more transcripts); c.2582dup, p.Asn861Lysfs (NM_001406797.1, NM_001406801.1, NM_001406805.1 and 10 more transcripts); c.2354dup, p.Asn785Lysfs (NM_001406799.1, NM_001406806.1, NM_001406807.1); c.2801dup, p.Asn934Lysfs (NM_001406804.1); c.1973dup, p.Asn658Lysfs (NM_001406811.1, NM_001406812.1, NM_001406814.1 and 4 more transcripts); and 4 more; short protein forms N658fs, N960fs, N830fs.
Identifiers: ClinVar variation 1797138 (VCV001797138.2), dbSNP rs2530699251, ClinGen allele CA2580068095.